The following is an entry in ClinVar:

ClinVar aggregate classification (germline): Uncertain significance (1 of 4 stars; one submission).

Conditions:
Oculofaciocardiodental syndrome (MCOPS2). Identifiers: Orphanet 2712, MedGen C1846265, MONDO:0010261, OMIM 300166.

gnomAD v4.1: 1 of 1,209,040 alleles (0.000083%); highest among the groups gnomAD compares: Non-Finnish European, 0.00011%; no homozygotes.

Submission:

Labcorp Genetics (formerly Invitae), Labcorp
Classification: Uncertain significance for Oculofaciocardiodental syndrome. Last evaluated: 2025-07-23. Review status: criteria provided, single submitter. Criteria: Invitae Variant Classification Sherloc (09022015). Collection method: clinical testing. Allele origin: germline.
Comment: This sequence change replaces alanine, which is neutral and non-polar, with threonine, which is neutral and polar, at codon 1598 of the BCOR protein (p.Ala1598Thr). This variant is present in population databases (no rsID available, gnomAD 0.01%). This variant has not been reported in the literature in individuals affected with BCOR-related conditions. An algorithm developed to predict the effect of missense changes on protein structure and function outputs the following: PolyPhen-2: "Benign". The threonine amino acid residue is found in multiple mammalian species, which suggests that this missense change does not adversely affect protein function. In summary, the available evidence is currently insufficient to determine the role of this variant in disease. Therefore, it has been classified as a Variant of Uncertain Significance.

NM_001123385.2(BCOR):c.4894G>A (p.Ala1632Thr)

Gene: BCOR (BCL6 corepressor; minus strand). Cytogenetic location: Xp11.4.
Variant type: single nucleotide variant.
Coding change: c.4894G>A on transcript NM_001123385.2 (MANE Select); coding-DNA position 4894, G replaced by A.
Protein change: p.Ala1632Thr; replaces alanine 1632 with threonine.
Molecular consequence: missense variant.
Genome position (GRCh38, 1-based): chrX:40,053,968, C>T on the plus strand (G>A on the coding strand, the complement: BCOR is on the minus strand). VCF-style: chrX-40053968-C-T. GRCh37 (hg19) VCF-style: chrX-39913221-C-T.
Other names: c.4792G>A, p.Ala1598Thr (NM_001123383.2, NM_001438208.1, NM_017745.6); c.4738G>A, p.Ala1580Thr (NM_001123384.2); c.4894G>A, p.Ala1632Thr (NM_001437510.1, NM_001437511.1); c.4840G>A, p.Ala1614Thr (NM_001438207.1); short protein forms A1580T, A1598T, A1614T, A1632T.
Identifiers: ClinVar variation 4809833 (VCV004809833.1).